The following is an entry in ClinVar:

ClinVar aggregate classification (germline): Uncertain significance (1 of 4 stars; one submission).

Conditions:
Combined immunodeficiency due to DOCK8 deficiency (HIES2). Also called: HIES autosomal recessive; Hyper-IgE recurrent infection syndrome, autosomal recessive; HYPER-IgE RECURRENT INFECTION SYNDROME 2, AUTOSOMAL RECESSIVE; HYPER-IgE SYNDROME 2, AUTOSOMAL RECESSIVE, WITH RECURRENT INFECTIONS; DOCK8 Deficiency. Identifiers: Orphanet 217390, MedGen C4722305, MONDO:0009478, OMIM 243700.

gnomAD v4.1: 5 of 1,614,112 alleles (0.00031%); highest among the groups gnomAD compares: Admixed American, 0.0017%; no homozygotes.

Submission:

Labcorp Genetics (formerly Invitae), Labcorp
Classification: Uncertain significance for Combined immunodeficiency due to DOCK8 deficiency. Last evaluated: 2024-12-17. Review status: criteria provided, single submitter. Criteria: Invitae Variant Classification Sherloc (09022015). Collection method: clinical testing. Allele origin: germline.
Comment: This sequence change replaces tyrosine, which is neutral and polar, with cysteine, which is neutral and slightly polar, at codon 1875 of the DOCK8 protein (p.Tyr1875Cys). This variant is present in population databases (no rsID available, gnomAD 0.003%). This variant has not been reported in the literature in individuals affected with DOCK8-related conditions. Invitae Evidence Modeling of protein sequence and biophysical properties (such as structural, functional, and spatial information, amino acid conservation, physicochemical variation, residue mobility, and thermodynamic stability) indicates that this missense variant is expected to disrupt DOCK8 protein function with a positive predictive value of 80%. In summary, the available evidence is currently insufficient to determine the role of this variant in disease. Therefore, it has been classified as a Variant of Uncertain Significance.

NM_203447.4(DOCK8):c.5624A>G (p.Tyr1875Cys)

Gene: DOCK8 (dedicator of cytokinesis 8; plus strand). Cytogenetic location: 9p24.3.
Variant type: single nucleotide variant.
Coding change: c.5624A>G on transcript NM_203447.4 (MANE Select); coding-DNA position 5624, A replaced by G.
Protein change: p.Tyr1875Cys; replaces tyrosine 1875 with cysteine.
Molecular consequence: missense variant.
Genome position (GRCh38, 1-based): chr9:446,413, A>G. VCF-style: chr9-446413-A-G. GRCh37 (hg19) VCF-style: chr9-446413-A-G.
Other names: c.5324A>G, p.Tyr1775Cys (NM_001190458.2); c.5420A>G, p.Tyr1807Cys (NM_001193536.2); short protein forms Y1775C, Y1807C, Y1875C.
Identifiers: ClinVar variation 3607059 (VCV003607059.2).